The following is an entry in ClinVar:

ClinVar aggregate classification (germline): Conflicting classifications of pathogenicity. Review status: criteria provided, conflicting classifications (1 of 4 stars). 7 submissions from 7 submitters: Likely pathogenic (1); Uncertain significance (5). 1 of the submissions does not count toward it. Last evaluated 2025-08-12.

Conditions:
Cystic fibrosis (CF). Also called: MUCOVISCIDOSIS. Identifiers: Orphanet 586, MedGen C0010674, MONDO:0009061, OMIM 219700. Disease mechanism: loss of function.
CFTR-related disorder (CFTR-RD). Also called: CFTR-related disorders; CFTR-related condition. Identifiers: MedGen C5924204, MONDO:7770004.

Allele frequency attached by ClinVar (database versions not stated): gnomAD 0.00003 and 0.00004; gnomAD exomes 0.00002; TOPMed 0.00002.
gnomAD v4.1: 30 of 1,613,632 alleles (0.0019%); highest among the groups gnomAD compares: Non-Finnish European, 0.0025%; no homozygotes.

Submissions (7):

Dasa
Classification: Uncertain significance. Last evaluated: 2025-08-12. Review status: criteria provided, single submitter. Criteria: DASA Assertion Criteria. Collection method: clinical testing. Allele origin: germline.
Comment: NM_000492.4(CFTR):c.26C>T (p.Ala9Val) is a missense variant that results in the substitution of alanine with valine. This variant is rare in population databases. Computational prediction algorithms are consistent with a deleterious effect. The currently available literature and clinical evidence are not sufficient to establish a definitive association between this variant and the reported condition. Therefore, this variant is classified as a variant of uncertain significance.

Johns Hopkins Genomics, Johns Hopkins University
Classification: Likely pathogenic for Cystic fibrosis. Last evaluated: 2025-01-03. Review status: criteria provided, single submitter. Criteria: ACMG Guidelines, 2015. Collection method: clinical testing. Allele origin: germline.
Comment: CFTR c.26C>T has been reported in four individuals with features of cystic fibrosis, including two siblings who have a second CF-causing variant. A functional study demonstrates that this variant decreases CFTR function to a level (16% of wild type)that is consistent with a variant associated with varying clinical consequence. In addition, three bioinformatic tools predict that this variant may create a weak cryptic splice donor site and impact CFTR splicing, although this has not been confirmed experimentally to our knowledge. This variant (rs949472192) is rare (<0.1%) in a large population dataset (gnomAD: 30/1613632 total alleles; 0.002%; no homozygotes) and has been reported in ClinVar (Variation ID: 618014). BayPR, an algorithm developed by CFTR2 that uses population data to assign disease liability to variants, predicts that this variant is unlikely to be CF-causing based on the number of heterozygotes in gnomAD; however, this algorithm is likely less effective for variants of varying clinical consequence as these variants can occur in individuals with and without disease. As both clinical and functional data support that this variant is deleterious, we consider CFTR c.26C>T to be likely pathogenic, associated with varying clinical consequence.

Ambry Genetics
Classification: Uncertain significance for Cystic fibrosis. Last evaluated: 2024-03-11. Review status: criteria provided, single submitter. Criteria: Ambry Variant Classification Scheme 2023. Collection method: clinical testing. Allele origin: germline.
Comment: The p.A9V variant (also known as c.26C>T), located in coding exon 1 of the CFTR gene, results from a C to T substitution at nucleotide position 26. The alanine at codon 9 is replaced by valine, an amino acid with similar properties. This variant was detected as heterozygous in two male individuals in a Sicilian infertility cohort; however, clinical details were limited (Chamayou S et al. BMC Med Genet, 2020 05;21:89). This amino acid position is highly conserved in available vertebrate species. In addition, the in silico prediction for this alteration is inconclusive. Since supporting evidence is limited at this time, the clinical significance of this alteration remains unclear.

Quest Diagnostics Nichols Institute San Juan Capistrano
Classification: Uncertain significance. Last evaluated: 2023-05-02. Review status: criteria provided, single submitter. Criteria: Quest Diagnostics criteria. Collection method: clinical testing. Allele origin: unknown.
Comment: The frequency of this variant in the general population, 0.000032 (1/31378 chromosomes), is uninformative in assessment of its pathogenicity. In the published literature, the variant has been reported as heterozygous in two male individuals with infertility (PMID: 32357917 (2020)). Analysis of this variant using bioinformatics tools for the prediction of the effect of amino acid changes on protein structure and function yielded predictions that this variant is benign. Based on the available information, we are unable to determine the clinical significance of this variant.

Labcorp Genetics (formerly Invitae), Labcorp
Classification: Uncertain significance for Cystic fibrosis. Last evaluated: 2022-08-16. Review status: criteria provided, single submitter. Criteria: Invitae Variant Classification Sherloc (09022015). Collection method: clinical testing. Allele origin: germline.
Comment: This sequence change replaces alanine, which is neutral and non-polar, with valine, which is neutral and non-polar, at codon 9 of the CFTR protein (p.Ala9Val). This variant is present in population databases (no rsID available, gnomAD 0.007%). This variant has not been reported in the literature in individuals affected with CFTR-related conditions. ClinVar contains an entry for this variant (Variation ID: 618014). Algorithms developed to predict the effect of missense changes on protein structure and function are either unavailable or do not agree on the potential impact of this missense change (SIFT: "Deleterious"; PolyPhen-2: "Benign"; Align-GVGD: "Class C0"). Algorithms developed to predict the effect of sequence changes on RNA splicing suggest that this variant may create or strengthen a splice site. In summary, the available evidence is currently insufficient to determine the role of this variant in disease. Therefore, it has been classified as a Variant of Uncertain Significance.

ARUP Laboratories, Molecular Genetics and Genomics, ARUP Laboratories
Classification: Uncertain significance. Last evaluated: 2018-02-27. Review status: criteria provided, single submitter. Criteria: ARUP Molecular Germline Variant Investigation Process. Collection method: clinical testing. Allele origin: germline.
Comment: The CFTR c.26C>T; p.Ala9Val variant (rs949472192), to our knowledge, is not reported in the medical literature or gene specific databases. This variant is found in the general population at a low overall allele frequency of 0.003% (1/30952 alleles) in the Genome Aggregation Database, indicating it is not a common polymorphism. The alanine at codon 9 is highly conserved and computational algorithms (SIFT, PolyPhen2) predict this variant is deleterious to the protein, and it may cause abnormal splicing due to the creation of a cryptic donor splice site upstream of the canonical site of intron 1 (Alamut v.2.10). However, due to the limited information regarding this variant, its clinical significance is uncertain at this time.

Natera, Inc.
Classification: Uncertain significance for CFTR-related disorders. Last evaluated: 2018-05-30. Review status: no assertion criteria provided. Collection method: clinical testing. Allele origin: germline. Not counted in ClinVar's aggregate classification.

Literature cited by the submitters: PubMed 32357917 (cited by 3 submitters); PubMed 38388235 (cited by Johns Hopkins Genomics, Johns Hopkins University).

NM_000492.4(CFTR):c.26C>T (p.Ala9Val)

Gene: CFTR (CF transmembrane conductance regulator; plus strand). Cytogenetic location: 7q31.2.
Variant type: single nucleotide variant.
Coding change: c.26C>T on transcript NM_000492.4 (MANE Select); coding-DNA position 26, C replaced by T.
Protein change: p.Ala9Val; replaces alanine 9 with valine.
Molecular consequence: missense variant.
Genome position (GRCh38, 1-based): chr7:117,480,120, C>T. VCF-style: chr7-117480120-C-T. GRCh37 (hg19) VCF-style: chr7-117120174-C-T.
Other names: short protein forms A9V.
Identifiers: ClinVar variation 618014 (VCV000618014.16), dbSNP rs949472192, ClinGen allele CA164948916.